The following is an entry in ClinVar:

ClinVar aggregate classification (germline): Conflicting classifications of pathogenicity. Review status: criteria provided, conflicting classifications (1 of 4 stars). 4 submissions from 4 submitters: Likely pathogenic (2); Uncertain significance (2). Last evaluated 2024-07-12.

Conditions:
Hereditary cancer-predisposing syndrome. Also called: Tumor predisposition; Hereditary neoplastic syndrome; Neoplastic Syndromes, Hereditary; Hereditary Cancer Syndrome. Identifiers: Orphanet 140162, MedGen C0027672, MeSH D009386, MONDO:0015356.
Rhabdoid tumor predisposition syndrome 2 (RTPS2). Identifiers: Orphanet 231108, Orphanet 69077, MedGen C2750074, MONDO:0013224, OMIM 613325.
Intellectual disability, autosomal dominant 16 (CSS4). Also called: COFFIN-SIRIS SYNDROME 4. Identifiers: Orphanet 1465, MedGen C3553249, MONDO:0013821, OMIM 614609.

Allele frequency attached by ClinVar (database versions not stated): gnomAD exomes below 0.00001; TOPMed below 0.00001.

Submissions (4):

Ambry Genetics
Classification: Uncertain significance for Hereditary cancer-predisposing syndrome. Last evaluated: 2024-07-12. Review status: criteria provided, single submitter. Criteria: Ambry Variant Classification Scheme 2023. Collection method: clinical testing. Allele origin: germline.
Comment: The p.R1437W variant (also known as c.4309C>T), located in coding exon 30 of the SMARCA4 gene, results from a C to T substitution at nucleotide position 4309. The arginine at codon 1437 is replaced by tryptophan, an amino acid with dissimilar properties. This amino acid position is highly conserved in available vertebrate species. In addition, the in silico prediction for this alteration is inconclusive. Based on the available evidence, the clinical significance of this variant remains unclear.

Labcorp Genetics (formerly Invitae), Labcorp
Classification: Uncertain significance for Rhabdoid tumor predisposition syndrome 2. Last evaluated: 2024-06-28. Review status: criteria provided, single submitter. Criteria: Invitae Variant Classification Sherloc (09022015). Collection method: clinical testing. Allele origin: germline.
Comment: This sequence change replaces arginine, which is basic and polar, with tryptophan, which is neutral and slightly polar, at codon 1437 of the SMARCA4 protein (p.Arg1437Trp). This variant is not present in population databases (gnomAD no frequency). This variant has not been reported in the literature in individuals affected with SMARCA4-related conditions. ClinVar contains an entry for this variant (Variation ID: 372886). Advanced modeling of protein sequence and biophysical properties (such as structural, functional, and spatial information, amino acid conservation, physicochemical variation, residue mobility, and thermodynamic stability) performed at Invitae indicates that this missense variant is expected to disrupt SMARCA4 protein function with a positive predictive value of 95%. In summary, the available evidence is currently insufficient to determine the role of this variant in disease. Therefore, it has been classified as a Variant of Uncertain Significance.

Genome-Nilou Lab
Classification: Likely pathogenic for Intellectual disability, autosomal dominant 16. Last evaluated: 2021-07-15. Review status: criteria provided, single submitter. Criteria: ACMG Guidelines, 2015. Collection method: clinical testing. Allele origin: germline. Affected: no.

GeneDx
Classification: Likely pathogenic. Last evaluated: 2016-02-17. Review status: criteria provided, single submitter. Criteria: GeneDx Variant Classification (06012015). Collection method: clinical testing. Allele origin: germline. Affected: yes.
Comment: The R1437W variant in the SMARCA4 gene has not been reported previously as a pathogenic variant, nor as a benign variant, to our knowledge. The R1437W variant was not observed in approximately 6,500 individuals of European and African American ancestry in the NHLBI Exome Sequencing Project, indicating it is not a common benign variant in these populations. The R1437W variant is a non-conservative amino acid substitution, which is likely to impact secondary protein structure as these residues differ in polarity, charge, size and/or other properties. This substitution occurs at a position in the coiled coil domain that is conserved across species. In silico analysis predicts this variant is probably damaging to the protein structure/function. The R1437W variant is a strong candidate for a pathogenic variant and may be related to intellectual disability, poor growth, and distinctive facial features.

NM_003072.5(SMARCA4):c.4213C>T (p.Arg1405Trp)

Gene: SMARCA4 (SWI/SNF related BAF chromatin remodeling complex subunit ATPase 4; plus strand). Cytogenetic location: 19p13.2.
Variant type: single nucleotide variant.
Coding change: c.4213C>T on transcript NM_003072.5 (MANE Select); coding-DNA position 4213, C replaced by T.
Protein change: p.Arg1405Trp; replaces arginine 1405 with tryptophan.
Molecular consequence: missense variant. On other transcripts: non-coding transcript variant (1).
Genome position (GRCh38, 1-based): chr19:11,041,349, C>T. VCF-style: chr19-11041349-C-T. GRCh37 (hg19) VCF-style: chr19-11152025-C-T.
Other names: c.4213C>T, p.Arg1405Trp (NM_001128844.3); c.4123C>T, p.Arg1375Trp (NM_001128845.2, NM_001128846.2); c.4114C>T, p.Arg1372Trp (NM_001128847.4, NM_001128848.2, NM_001374457.1); c.4309C>T, p.Arg1437Trp (NM_001128849.3, NM_001387283.1); short protein forms R1437W, R1375W, R1372W, R1405W.
Identifiers: ClinVar variation 372886 (VCV000372886.20), dbSNP rs1057518049, ClinGen allele CA16043066.